The following is an entry in ClinVar:

ClinVar aggregate classification (germline): Conflicting classifications of pathogenicity. Review status: criteria provided, conflicting classifications (1 of 4 stars). 6 submissions from 6 submitters: Uncertain significance (2); Likely benign (4). Last evaluated 2025-07-13.

Conditions:
Autosomal recessive nonsyndromic hearing loss 49. Also called: Deafness, neurosensory, autosomal recessive 49. Identifiers: Orphanet 90636, MedGen C1857811, MONDO:0012420, OMIM 610153.

Allele frequency attached by ClinVar (database versions not stated): ExAC 0.00017; ESP Exome Variant Server 0.00038; TOPMed 0.00021; gnomAD 0.00023 and 0.00024.
gnomAD v4.1: 983 of 1,613,992 alleles (0.061%); highest among the groups gnomAD compares: Non-Finnish European, 0.081%; 3 homozygotes.

Submissions (6):

Labcorp Genetics (formerly Invitae), Labcorp
Classification: Likely benign. Last evaluated: 2025-07-13. Review status: criteria provided, single submitter. Criteria: Invitae Variant Classification Sherloc (09022015). Collection method: clinical testing. Allele origin: germline.

CeGaT Center for Human Genetics Tuebingen
Classification: Likely benign. Last evaluated: 2025-05-01. Review status: criteria provided, single submitter. Criteria: CeGaT Center For Human Genetics Tuebingen Variant Classification Criteria Version 2. Collection method: clinical testing. Allele origin: germline. Affected: yes. Observed: 1 variant allele.
Comment: MARVELD2: BP4, BP7

Blueprint Genetics
Classification: Likely benign. Last evaluated: 2024-11-06. Review status: criteria provided, single submitter. Criteria: ACMG Guidelines, 2015. Collection method: clinical testing. Allele origin: germline.

Illumina Laboratory Services, Illumina
Classification: Uncertain significance for Autosomal recessive nonsyndromic hearing loss 49. Last evaluated: 2018-01-13. Review status: criteria provided, single submitter. Criteria: ICSL Variant Classification Criteria 13 December 2019. Collection method: clinical testing. Allele origin: germline.

Eurofins Ntd Llc (ga)
Classification: Uncertain significance. Last evaluated: 2015-03-20. Review status: criteria provided, single submitter. Criteria: EGL Classification Definitions 2015. Collection method: clinical testing. Allele origin: germline. Observed: 1 variant allele, 1 heterozygote.

Laboratory for Molecular Medicine, Mass General Brigham Personalized Medicine
Classification: Likely benign. Last evaluated: 2012-04-30. Review status: criteria provided, single submitter. Criteria: LMM Criteria. Collection method: clinical testing. Allele origin: germline. Observed: 1 variant allele.
Comment: Arg10Arg in Exon 02 of MARVELD2: This variant is not expected to have clinical significance because it does not alter an amino acid residue, is not located within the splice consensus sequence, and has been identified in 3/7020 European American chromosomes from a broad population by the NHLBI Exome Sequencing Project (dbSNP rs143592561).

NM_001038603.3(MARVELD2):c.30G>A (p.Arg10=)

Gene: MARVELD2 (MARVEL domain containing 2; plus strand). Cytogenetic location: 5q13.2.
Variant type: single nucleotide variant.
Coding change: c.30G>A on transcript NM_001038603.3 (MANE Select); coding-DNA position 30, G replaced by A.
Protein change: p.Arg10=; no amino-acid change (arginine 10 retained).
Molecular consequence: synonymous variant.
Genome position (GRCh38, 1-based): chr5:69,419,415, G>A. VCF-style: chr5-69419415-G-A. GRCh37 (hg19) VCF-style: chr5-68715242-G-A.
Other names: c.30G>A, p.Arg10= (NM_001244734.2).
Identifiers: ClinVar variation 195109 (VCV000195109.33), dbSNP rs143592561, ClinGen allele CA241390.